The following is an entry in ClinVar:

ClinVar aggregate classification (germline): Uncertain significance. Review status: criteria provided, multiple submitters, no conflicts (2 of 4 stars). 2 submissions from 2 submitters: Uncertain significance (2). Last evaluated 2025-11-17.

Conditions:
Baller-Gerold syndrome (BGS). Also called: CRANIOSYNOSTOSIS WITH RADIAL DEFECTS. Identifiers: Orphanet 1225, MedGen C0265308, MONDO:0009039, OMIM 218600.
Inborn genetic diseases. Identifiers: MedGen C0950123, MeSH D030342.

Allele frequency attached by ClinVar (database versions not stated): gnomAD exomes 0.00001.
gnomAD v4.1: 9 of 1,565,670 alleles (0.00057%); highest among the groups gnomAD compares: East Asian, 0.0024%; no homozygotes.

Submissions (2):

Ambry Genetics
Classification: Uncertain significance for Inborn genetic diseases. Last evaluated: 2025-11-17. Review status: criteria provided, single submitter. Criteria: Ambry Variant Classification Scheme 2023. Collection method: clinical testing. Allele origin: germline.
Comment: The p.S494F variant (also known as c.1481C>T), located in coding exon 8 of the RECQL4 gene, results from a C to T substitution at nucleotide position 1481. The serine at codon 494 is replaced by phenylalanine, an amino acid with highly dissimilar properties. This amino acid position is conserved. In addition, the in silico prediction for this alteration is inconclusive. Based on the available evidence, the clinical significance of this variant remains unclear.

Labcorp Genetics (formerly Invitae), Labcorp
Classification: Uncertain significance for Baller-Gerold syndrome. Last evaluated: 2024-10-18. Review status: criteria provided, single submitter. Criteria: Invitae Variant Classification Sherloc (09022015). Collection method: clinical testing. Allele origin: germline.
Comment: This sequence change replaces serine, which is neutral and polar, with phenylalanine, which is neutral and non-polar, at codon 494 of the RECQL4 protein (p.Ser494Phe). This variant is present in population databases (no rsID available, gnomAD 0.001%). This variant has not been reported in the literature in individuals affected with RECQL4-related conditions. ClinVar contains an entry for this variant (Variation ID: 1903921). Experimental studies and prediction algorithms are not available or were not evaluated, and the functional significance of this variant is currently unknown. In summary, the available evidence is currently insufficient to determine the role of this variant in disease. Therefore, it has been classified as a Variant of Uncertain Significance.

NM_004260.4(RECQL4):c.1481C>T (p.Ser494Phe)

Gene: RECQL4 (RecQ like helicase 4; minus strand). Cytogenetic location: 8q24.3.
Variant type: single nucleotide variant.
Coding change: c.1481C>T on transcript NM_004260.4 (MANE Select); coding-DNA position 1481, C replaced by T.
Protein change: p.Ser494Phe; replaces serine 494 with phenylalanine.
Molecular consequence: missense variant.
Genome position (GRCh38, 1-based): chr8:144,515,152, G>A on the plus strand (C>T on the coding strand, the complement: RECQL4 is on the minus strand). VCF-style: chr8-144515152-G-A. GRCh37 (hg19) VCF-style: chr8-145740536-G-A.
Other names: c.1481C>T (NM_004260.3); c.1385C>T, p.Ser462Phe (NM_001413017.1, NM_001413020.1); c.1481C>T, p.Ser494Phe (NM_001413018.1, NM_001413019.1, NM_001413033.1 and 2 more transcripts); c.410C>T, p.Ser137Phe (NM_001413021.1, NM_001413022.1, NM_001413023.1 and 8 more transcripts); c.1352C>T, p.Ser451Phe (NM_001413025.1); c.344C>T, p.Ser115Phe (NM_001413027.1, NM_001413030.1, NM_001413031.1 and 2 more transcripts); c.1130C>T, p.Ser377Phe (NM_001413029.1); c.14C>T, p.Ser5Phe (NM_001413043.1); short protein forms S137F, S5F, S377F, S494F, S115F, S451F, S462F.
Identifiers: ClinVar variation 1903921 (VCV001903921.6), dbSNP rs1198334062, ClinGen allele CA372684481.
Genomic context (GRCh38, chr8:144,515,152, plus strand): 5'-GCAGCAGGGTTCTGCAGCCTGGCCTCAGCCCAGCCTCAGCCCTGGCAGCCACGCTCACCA[G>A]ACAGGATCCGCATGACTGCACGCTCCTGCCCAGGGCGAAAGGCTTGGTGCCCCAGCTGCT-3'
Protein context (NP_004251.4, residues 484-504): GQERAVMRIL[Ser494Phe]GISTLLVLPT